The following is an entry in ClinVar:

NM_000245.4(MET):c.2116A>G (p.Ile706Val)

Gene: MET (MET proto-oncogene, receptor tyrosine kinase; plus strand). Cytogenetic location: 7q31.2.
Variant type: single nucleotide variant.
Coding change: c.2116A>G on transcript NM_000245.4 (MANE Select); coding-DNA position 2116, A replaced by G.
Protein change: p.Ile706Val; replaces isoleucine 706 with valine.
Molecular consequence: missense variant.
Genome position (GRCh38, 1-based): chr7:116,758,472, A>G. VCF-style: chr7-116758472-A-G. GRCh37 (hg19) VCF-style: chr7-116398526-A-G.
Other names: c.2116A>G, p.Ile706Val (NM_001127500.3, NM_001324401.3); c.826A>G, p.Ile276Val (NM_001324402.2); short protein forms I276V, I706V.
Identifiers: ClinVar variation 3395118 (VCV003395118.3).

ClinVar aggregate classification (germline): Conflicting classifications of pathogenicity. Review status: criteria provided, conflicting classifications (1 of 4 stars). 2 submissions from 2 submitters: Uncertain significance (1); Likely benign (1). Last evaluated 2025-10-18.

Conditions:
Hereditary cancer-predisposing syndrome. Also called: Hereditary Cancer Syndrome; Tumor predisposition; Hereditary neoplastic syndrome; Neoplastic Syndromes, Hereditary. Identifiers: Orphanet 140162, MedGen C0027672, MeSH D009386, MONDO:0015356.
Renal cell carcinoma. Identifiers: Orphanet 217071, MedGen C0007134, MeSH D002292, MONDO:0005086, HP:0005584.

gnomAD v4.1: 2 of 1,613,762 alleles (0.00012%); highest among the groups gnomAD compares: Non-Finnish European, 0.000085%; no homozygotes.

Submissions (2):

Labcorp Genetics (formerly Invitae), Labcorp
Classification: Uncertain significance for Renal cell carcinoma. Last evaluated: 2025-10-18. Review status: criteria provided, single submitter. Criteria: Invitae Variant Classification Sherloc (09022015). Collection method: clinical testing. Allele origin: germline.
Comment: This sequence change replaces isoleucine, which is neutral and non-polar, with valine, which is neutral and non-polar, at codon 706 of the MET protein (p.Ile706Val). This variant is not present in population databases (gnomAD no frequency). This variant has not been reported in the literature in individuals affected with MET-related conditions. ClinVar contains an entry for this variant (Variation ID: 3395118). Invitae Evidence Modeling of protein sequence and biophysical properties (such as structural, functional, and spatial information, amino acid conservation, physicochemical variation, residue mobility, and thermodynamic stability) indicates that this missense variant is not expected to disrupt MET protein function with a negative predictive value of 80%. In summary, the available evidence is currently insufficient to determine the role of this variant in disease. Therefore, it has been classified as a Variant of Uncertain Significance.

Ambry Genetics
Classification: Likely benign for Hereditary cancer-predisposing syndrome. Last evaluated: 2024-08-14. Review status: criteria provided, single submitter. Criteria: Ambry Variant Classification Scheme 2023. Collection method: clinical testing. Allele origin: germline.